The following is an entry in ClinVar:

ClinVar aggregate classification (germline): Pathogenic (1 of 4 stars; one submission).

Conditions:
Werner syndrome (WRN). Identifiers: Orphanet 902, MedGen C0043119, MONDO:0010196, OMIM 277700.

Submission:

Labcorp Genetics (formerly Invitae), Labcorp
Classification: Pathogenic for Werner syndrome. Last evaluated: 2025-07-17. Review status: criteria provided, single submitter. Criteria: Invitae Variant Classification Sherloc (09022015). Collection method: clinical testing. Allele origin: germline.
Comment: This sequence change creates a premature translational stop signal (p.Arg812Lysfs*3) in the WRN gene. It is expected to result in an absent or disrupted protein product. Loss-of-function variants in WRN are known to be pathogenic (PMID: 16673358). This variant is not present in population databases (gnomAD no frequency). This variant has not been reported in the literature in individuals affected with WRN-related conditions. ClinVar contains an entry for this variant (Variation ID: 2747904). RNA analysis performed to evaluate the impact of this premature translational stop signal on mRNA splicing indicates it does not significantly alter splicing (internal data). For these reasons, this variant has been classified as Pathogenic.

Literature cited by the submitters: PubMed 16673358.

NM_000553.6(WRN):c.2432dup (p.Arg812fs)

Gene: WRN (WRN RecQ like helicase; plus strand). Cytogenetic location: 8p12.
Variant type: Duplication.
Coding change: c.2432dup on transcript NM_000553.6 (MANE Select); coding-DNA position 2432, one base duplicated (T; older notation c.2432dupT).
Protein change: p.Arg812fs; shifts the reading frame from arginine 812.
Molecular consequence: frameshift variant.
Genome position (GRCh38, 1-based): chr8:31,116,512, T duplicated. VCF-style (leftmost placement, unchanged base first): chr8-31116511-G-GT. GRCh37 (hg19) VCF-style: chr8-30974027-G-GT.
Other names: short protein forms R812fs.
Identifiers: ClinVar variation 2747904 (VCV002747904.3), dbSNP rs2535978888, ClinGen allele CA2697549805.